The following is an entry in ClinVar:

NM_001184880.2(PCDH19):c.498del (p.Thr165_Tyr166insTer)

Gene: PCDH19 (protocadherin 19; minus strand). Cytogenetic location: Xq22.1.
Variant type: Deletion.
Coding change: c.498del on transcript NM_001184880.2 (MANE Select); coding-DNA position 498, one base deleted (C; older notation c.498delC).
Protein change: p.Thr165_Tyr166insTer.
Molecular consequence: nonsense.
Genome position (GRCh38, 1-based): chrX:100,408,100, G deleted on the plus strand (C on the coding strand, the reverse complement: PCDH19 is on the minus strand). VCF-style (leftmost placement, unchanged base first): chrX-100408099-CG-C. GRCh37 (hg19) VCF-style: chrX-99663097-CG-C.
Other names: c.498del, p.Thr165_Tyr166insTer (NM_001105243.2, NM_020766.3).
Identifiers: ClinVar variation 1184537 (VCV001184537.7), dbSNP rs2147541733, ClinGen allele CA2499226260.

ClinVar aggregate classification (germline): Pathogenic. Review status: criteria provided, single submitter (1 of 4 stars). 2 submissions from 2 submitters: Pathogenic (1). 1 of the submissions does not count toward it. Last evaluated 2022-04-20.

Conditions:
Developmental and epileptic encephalopathy, 9 (DEE9). Also called: JUBERG-HELLMAN SYNDROME; EPILEPSY, FEMALE-RESTRICTED, WITH MENTAL RETARDATION; Early infantile epileptic encephalopathy 9; PCDH19-Related X-Linked Female-Limited Epilepsy with Mental Retardation. Identifiers: Orphanet 101039, Orphanet 2076, MedGen C1848137, MONDO:0010246, OMIM 300088. Disease mechanism: loss of function.

Submissions (2):

Labcorp Genetics (formerly Invitae), Labcorp
Classification: Pathogenic for Developmental and epileptic encephalopathy, 9. Last evaluated: 2022-04-20. Review status: criteria provided, single submitter. Criteria: Invitae Variant Classification Sherloc (09022015). Collection method: clinical testing. Allele origin: germline.
Comment: This sequence change creates a premature translational stop signal (p.Tyr166*) in the PCDH19 gene. It is expected to result in an absent or disrupted protein product. Loss-of-function variants in PCDH19 are known to be pathogenic (PMID: 21053371). This variant is not present in population databases (gnomAD no frequency). This variant has not been reported in the literature in individuals affected with PCDH19-related conditions. ClinVar contains an entry for this variant (Variation ID: 1184537). For these reasons, this variant has been classified as Pathogenic.

Genomics England Pilot Project, Genomics England
Classification: Likely pathogenic for Developmental and epileptic encephalopathy, 9. Review status: no assertion criteria provided. Criteria: ACGS Guidelines, 2016. Collection method: clinical testing. Allele origin: germline. Affected: yes. Not counted in ClinVar's aggregate classification.

Literature cited by the submitters: PubMed 21053371 (cited by Labcorp Genetics (formerly Invitae), Labcorp).